The following is an entry in ClinVar:

NM_016616.5(NME8):c.528+11T>C

Gene: NME8 (NME/NM23 family member 8; plus strand). Cytogenetic location: 7p14.1.
Variant type: single nucleotide variant.
Coding change: c.528+11T>C on transcript NM_016616.5 (MANE Select); 11 bases into the intron after coding-DNA position 528, T replaced by C.
Molecular consequence: intron variant.
Genome position (GRCh38, 1-based): chr7:37,864,432, T>C. VCF-style: chr7-37864432-T-C. GRCh37 (hg19) VCF-style: chr7-37904034-T-C.
Identifiers: ClinVar variation 178810 (VCV000178810.13), dbSNP rs117681493, ClinGen allele CA183079.

ClinVar aggregate classification (germline): Benign/Likely benign. Review status: criteria provided, multiple submitters, no conflicts (2 of 4 stars). 3 submissions from 3 submitters: Benign (2); Likely benign (1). Last evaluated 2026-01-29.

Conditions:
Primary ciliary dyskinesia 6. Also called: Primary Ciliary Dyskinesia 6: TXNDC3-Related Primary Ciliary Dyskinesia. Identifiers: Orphanet 244, MedGen C1970506, MONDO:0012571, OMIM 610852.

Allele frequency attached by ClinVar (database versions not stated): 1000 Genomes Project 0.00160; 1000 Genomes Project 30x 0.00203; TOPMed 0.00442; gnomAD 0.00444 and 0.00463; gnomAD exomes 0.00480 and 0.00677; ESP Exome Variant Server 0.00567; ExAC 0.00612.
gnomAD v4.1: 10,095 of 1,559,612 alleles (0.65%); highest among the groups gnomAD compares: Non-Finnish European, 0.79%; 52 homozygotes.

Submissions (3):

Labcorp Genetics (formerly Invitae), Labcorp
Classification: Benign for Primary ciliary dyskinesia 6. Last evaluated: 2026-01-29. Review status: criteria provided, single submitter. Criteria: Invitae Variant Classification Sherloc (09022015). Collection method: clinical testing. Allele origin: germline.

Laboratory for Molecular Medicine, Mass General Brigham Personalized Medicine
Classification: Benign. Last evaluated: 2013-02-21. Review status: criteria provided, single submitter. Criteria: LMM Criteria. Collection method: clinical testing. Allele origin: germline. Observed: 3 variant alleles.
Comment: 528+11T>C in intron 9 of TXNDC3: This variant is not expected to have clinical s ignificance because it is not located within the conserved splice consensus sequ ence. It has been identified in 0.8% (66/8520) of European American chromosomes from a broad population by the NHLBI Exome Sequencing Project (dbSNP rs117681493).

PreventionGenetics, part of Exact Sciences
Classification: Likely benign. Review status: criteria provided, single submitter. Criteria: ACMG Guidelines, 2015. Collection method: clinical testing. Allele origin: germline.